The following is an entry in ClinVar:

ClinVar aggregate classification (germline): Pathogenic (1 of 4 stars; one submission).

Conditions:
Familial adenomatous polyposis 1 (FAP1). Also called: FAMILIAL ADENOMATOUS POLYPOSIS 1, ATTENUATED; POLYPOSIS, ADENOMATOUS INTESTINAL. Identifiers: MedGen C2713442, MONDO:0021056, OMIM 175100. Disease mechanism: loss of function.

Submission:

Myriad Genetics, Inc.
Classification: Pathogenic for Familial adenomatous polyposis 1. Last evaluated: 2023-05-04. Review status: criteria provided, single submitter. Criteria: Myriad Autosomal Dominant, Autosomal Recessive and X-Linked Classification Criteria (2023). Collection method: clinical testing. Allele origin: unknown.
Comment: This variant is considered pathogenic. This variant creates a termination codon and is predicted to result in premature protein truncation.

NM_000038.6(APC):c.2623A>T (p.Lys875Ter)

Gene: APC (APC regulator of Wnt signaling pathway; plus strand). Cytogenetic location: 5q22.2.
Variant type: single nucleotide variant.
Coding change: c.2623A>T on transcript NM_000038.6 (MANE Select); coding-DNA position 2623, A replaced by T.
Protein change: p.Lys875Ter; replaces lysine 875 with a stop codon.
Molecular consequence: nonsense. On other transcripts: non-coding transcript variant (2).
Genome position (GRCh38, 1-based): chr5:112,838,217, A>T. VCF-style: chr5-112838217-A-T. GRCh37 (hg19) VCF-style: chr5-112173914-A-T.
Other names: c.2623A>T, p.Lys875Ter (NM_001127510.3, NM_001354895.2, NM_001407450.1); c.2569A>T, p.Lys857Ter (NM_001127511.3); c.2677A>T, p.Lys893Ter (NM_001354896.2, NM_001407447.1, NM_001407448.1 and 1 more transcripts); c.2653A>T, p.Lys885Ter (NM_001354897.2); c.2548A>T, p.Lys850Ter (NM_001354898.2); c.2539A>T, p.Lys847Ter (NM_001354899.2); c.2500A>T, p.Lys834Ter (NM_001354900.2); c.2446A>T, p.Lys816Ter (NM_001354901.2, NM_001407453.1); and 11 more; short protein forms K491*, K592*, K715*, K746*, K749*, K774*, K784*, K792*.
Identifiers: ClinVar variation 2583992 (VCV002583992.2), dbSNP rs1580624931, ClinGen allele CA16027071.